The following is an entry in ClinVar:

NM_001231.5(CASQ1):c.197T>A (p.Val66Glu)

Gene: CASQ1 (calsequestrin 1; plus strand). Cytogenetic location: 1q23.2.
Variant type: single nucleotide variant.
Coding change: c.197T>A on transcript NM_001231.5 (MANE Select); coding-DNA position 197, T replaced by A.
Protein change: p.Val66Glu; replaces valine 66 with glutamic acid.
Molecular consequence: missense variant.
Genome position (GRCh38, 1-based): chr1:160,190,948, T>A. VCF-style: chr1-160190948-T-A. GRCh37 (hg19) VCF-style: chr1-160160738-T-A.
Other names: short protein forms V66E.
Identifiers: ClinVar variation 2574548 (VCV002574548.1), dbSNP rs2525040898, ClinGen allele CA343250468.

ClinVar aggregate classification (germline): Uncertain significance (1 of 4 stars; one submission).

Submission:

GeneDx
Classification: Uncertain significance. Last evaluated: 2023-01-30. Review status: criteria provided, single submitter. Criteria: GeneDx Variant Classification Process June 2021. Collection method: clinical testing. Allele origin: germline. Affected: yes.
Comment: Not observed at significant frequency in large population cohorts (gnomAD); In silico analysis supports that this missense variant has a deleterious effect on protein structure/function; Has not been previously published as pathogenic or benign to our knowledge